The following is an entry in ClinVar:

NM_145239.3(PRRT2):c.167C>T (p.Ala56Val)

Genes: MVP-DT (MVP divergent transcript; minus strand), PRRT2 (proline rich transmembrane protein 2; plus strand). Cytogenetic location: 16p11.2.
Variant type: single nucleotide variant.
Coding change: c.167C>T on transcript NM_145239.3 (MANE Select); coding-DNA position 167, C replaced by T.
Protein change: p.Ala56Val; replaces alanine 56 with valine.
Molecular consequence: missense variant.
Genome position (GRCh38, 1-based): chr16:29,813,221, C>T. VCF-style: chr16-29813221-C-T. GRCh37 (hg19) VCF-style: chr16-29824542-C-T.
Other names: c.167C>T, p.Ala56Val (NM_001256442.2, NM_001256443.2); short protein forms A56V.
Identifiers: ClinVar variation 961787 (VCV000961787.36), dbSNP rs780909712, ClinGen allele CA7994482.

ClinVar aggregate classification (germline): Conflicting classifications of pathogenicity. Review status: criteria provided, conflicting classifications (1 of 4 stars). 3 submissions from 3 submitters: Uncertain significance (2); Likely benign (1). Last evaluated 2026-01-25.

Conditions:
Episodic kinesigenic dyskinesia (EKD). Also called: Paroxysmal kinesigenic dyskinesia. Identifiers: Orphanet 98809, MedGen C1868682, MONDO:0044202.

Allele frequency attached by ClinVar (database versions not stated): ExAC 0.00001; gnomAD exomes 0.00001 and 0.00002; gnomAD 0.00005; TOPMed 0.00006.

Submissions (3):

Labcorp Genetics (formerly Invitae), Labcorp
Classification: Likely benign for Episodic kinesigenic dyskinesia. Last evaluated: 2026-01-25. Review status: criteria provided, single submitter. Criteria: Invitae Variant Classification Sherloc (09022015). Collection method: clinical testing. Allele origin: germline.

CeGaT Center for Human Genetics Tuebingen
Classification: Uncertain significance. Last evaluated: 2022-03-01. Review status: criteria provided, single submitter. Criteria: CeGaT Center For Human Genetics Tuebingen Variant Classification Criteria Version 2. Collection method: clinical testing. Allele origin: germline. Affected: yes. Observed: 1 variant allele.

GeneDx
Classification: Uncertain significance. Last evaluated: 2021-08-10. Review status: criteria provided, single submitter. Criteria: GeneDx Variant Classification Process June 2021. Collection method: clinical testing. Allele origin: germline. Affected: yes.
Comment: In silico analysis supports that this missense variant has a deleterious effect on protein structure/function; Missense variant in a gene in which most reported pathogenic variants are truncating/loss-of-function; Has not been previously published as pathogenic or benign to our knowledge